The following is an entry in ClinVar:

NM_015059.3(TLN2):c.1476C>T (p.Thr492=)

Genes: TLN2 (talin 2; plus strand), LOC121530585 (Sharpr-MPRA regulatory region 9569; plus strand). Cytogenetic location: 15q22.2.
Variant type: single nucleotide variant.
Coding change: c.1476C>T on transcript NM_015059.3 (MANE Select); coding-DNA position 1476, C replaced by T.
Protein change: p.Thr492=; no amino-acid change (threonine 492 retained).
Molecular consequence: synonymous variant.
Genome position (GRCh38, 1-based): chr15:62,698,756, C>T. VCF-style: chr15-62698756-C-T. GRCh37 (hg19) VCF-style: chr15-62990955-C-T.
Other names: c.1476C>T, p.Thr492= (NM_001394547.1).
Identifiers: ClinVar variation 2645408 (VCV002645408.24), dbSNP rs1242743838, ClinGen allele CA490659225.
Genomic context (GRCh38, chr15:62,698,756, plus strand): 5'-AGGGCCATGTCGGTCCCAGGCGTGTGGGATGACAGCTTTGTTTCATTTGCCTTTGCAGAC[C>T]TCAGCCCAGCAGGCCCTGATGGGGACCATCAACACAAGCATGCACGCCGTCCAGCAGGCC-3'
Protein context (NP_055874.2, residues 482-502): QMHRGHMPPL[Thr492=]SAQQALMGTI

ClinVar aggregate classification (germline): Likely benign (1 of 4 stars; one submission).

gnomAD v4.1: 10 of 1,609,518 alleles (0.00062%); highest among the groups gnomAD compares: Non-Finnish European, 0.00076%; no homozygotes.

Submission:

CeGaT Center for Human Genetics Tuebingen
Classification: Likely benign. Last evaluated: 2022-09-01. Review status: criteria provided, single submitter. Criteria: CeGaT Center For Human Genetics Tuebingen Variant Classification Criteria Version 2. Collection method: clinical testing. Allele origin: germline. Affected: yes. Observed: 1 variant allele.
Comment: TLN2: BP4, BP7